The following is an entry in ClinVar:

NM_001271.4(CHD2):c.2783G>A (p.Arg928Gln)

Gene: CHD2 (chromodomain helicase DNA binding protein 2; plus strand). Cytogenetic location: 15q26.1.
Variant type: single nucleotide variant.
Coding change: c.2783G>A on transcript NM_001271.4 (MANE Select); coding-DNA position 2783, G replaced by A.
Protein change: p.Arg928Gln; replaces arginine 928 with glutamine.
Molecular consequence: missense variant.
Genome position (GRCh38, 1-based): chr15:92,979,190, G>A. VCF-style: chr15-92979190-G-A. GRCh37 (hg19) VCF-style: chr15-93522420-G-A.
Other names: short protein forms R928Q.
Identifiers: ClinVar variation 3695667 (VCV003695667.2).

ClinVar aggregate classification (germline): Uncertain significance (1 of 4 stars; one submission).

Conditions:
Developmental and epileptic encephalopathy 94 (DEE94). Also called: CHD2-Related Neurodevelopmental Disorders; Epileptic encephalopathy, childhood-onset. Identifiers: Orphanet 1942, Orphanet 2382, MedGen C3809278, MONDO:0014150, OMIM 615369.

gnomAD v4.1: 2 of 1,613,938 alleles (0.00012%); highest among the groups gnomAD compares: Non-Finnish European, 0.00017%; no homozygotes.

Submission:

Labcorp Genetics (formerly Invitae), Labcorp
Classification: Uncertain significance for Developmental and epileptic encephalopathy 94. Last evaluated: 2024-02-24. Review status: criteria provided, single submitter. Criteria: Invitae Variant Classification Sherloc (09022015). Collection method: clinical testing. Allele origin: germline.
Comment: This sequence change replaces arginine, which is basic and polar, with glutamine, which is neutral and polar, at codon 928 of the CHD2 protein (p.Arg928Gln). This variant is not present in population databases (gnomAD no frequency). This variant has not been reported in the literature in individuals affected with CHD2-related conditions. Advanced modeling of protein sequence and biophysical properties (such as structural, functional, and spatial information, amino acid conservation, physicochemical variation, residue mobility, and thermodynamic stability) performed at Invitae indicates that this missense variant is not expected to disrupt CHD2 protein function with a negative predictive value of 95%. In summary, the available evidence is currently insufficient to determine the role of this variant in disease. Therefore, it has been classified as a Variant of Uncertain Significance.